The following is an entry in ClinVar:

ClinVar aggregate classification (germline): Uncertain significance (1 of 4 stars; one submission).

Conditions:
Multiple sulfatase deficiency (MSD). Also called: Mucosulfatidosis; Multiple Sulfatase Deficiency Disease; Sulfatidosis, Juvenile, Austin Type. Identifiers: Orphanet 585, MedGen C0268263, MONDO:0010088, OMIM 272200.

gnomAD v4.1: 7 of 1,560,616 alleles (0.00045%); highest among the groups gnomAD compares: African/African-American, 0.0068%; no homozygotes.

Submission:

Labcorp Genetics (formerly Invitae), Labcorp
Classification: Uncertain significance for Multiple sulfatase deficiency. Last evaluated: 2022-08-07. Review status: criteria provided, single submitter. Criteria: Invitae Variant Classification Sherloc (09022015). Collection method: clinical testing. Allele origin: germline.
Comment: This sequence change replaces cysteine, which is neutral and slightly polar, with tryptophan, which is neutral and slightly polar, at codon 50 of the SUMF1 protein (p.Cys50Trp). This variant is present in population databases (no rsID available, gnomAD 0.01%). This variant has not been reported in the literature in individuals affected with SUMF1-related conditions. ClinVar contains an entry for this variant (Variation ID: 1425472). Algorithms developed to predict the effect of missense changes on protein structure and function are either unavailable or do not agree on the potential impact of this missense change (SIFT: "Deleterious"; PolyPhen-2: "Probably Damaging"; Align-GVGD: "Class C0"). In summary, the available evidence is currently insufficient to determine the role of this variant in disease. Therefore, it has been classified as a Variant of Uncertain Significance.

NM_182760.4(SUMF1):c.150C>G (p.Cys50Trp)

Genes: SUMF1 (sulfatase modifying factor 1; minus strand), LOC129936056 (ATAC-STARR-seq lymphoblastoid silent region 14016; plus strand). Cytogenetic location: 3p26.1.
Variant type: single nucleotide variant.
Coding change: c.150C>G on transcript NM_182760.4 (MANE Select); coding-DNA position 150, C replaced by G.
Protein change: p.Cys50Trp; replaces cysteine 50 with tryptophan.
Molecular consequence: missense variant.
Genome position (GRCh38, 1-based): chr3:4,467,096, G>C on the plus strand (C>G on the coding strand, the complement: SUMF1 is on the minus strand). VCF-style: chr3-4467096-G-C. GRCh37 (hg19) VCF-style: chr3-4508780-G-C.
Other names: c.150C>G, p.Cys50Trp (NM_001164674.2, NM_001164675.2); short protein forms C50W.
Identifiers: ClinVar variation 1425472 (VCV001425472.3), dbSNP rs761237429, ClinGen allele CA69311561.